The following is an entry in ClinVar:

NM_001048174.2(MUTYH):c.1222C>T (p.Leu408Phe)

Gene: MUTYH (mutY DNA glycosylase; minus strand). Cytogenetic location: 1p34.1.
Variant type: single nucleotide variant.
Coding change: c.1222C>T on transcript NM_001048174.2 (MANE Select); coding-DNA position 1222, C replaced by T.
Protein change: p.Leu408Phe; replaces leucine 408 with phenylalanine.
Molecular consequence: missense variant. On other transcripts: non-coding transcript variant (2).
Genome position (GRCh38, 1-based): chr1:45,331,437, G>A on the plus strand (C>T on the coding strand, the complement: MUTYH is on the minus strand). VCF-style: chr1-45331437-G-A. GRCh37 (hg19) VCF-style: chr1-45797109-G-A.
Other names: c.1222C>T, p.Leu408Phe (NM_001048171.2, NM_001048173.2, NM_001293195.2 and 6 more transcripts); c.1225C>T, p.Leu409Phe (NM_001048172.2, NM_001407086.1, NM_001407071.1 and 1 more transcripts); c.1306C>T, p.Leu436Phe (NM_001128425.2); c.1267C>T, p.Leu423Phe (NM_001293190.2); c.1255C>T, p.Leu419Phe (NM_001293191.2, NM_001407069.1, NM_001407077.1); c.946C>T, p.Leu316Phe (NM_001293192.2, NM_001293196.2, NM_001407091.1); c.877C>T, p.Leu293Phe (NM_001350650.2, NM_001350651.2, NM_001407082.1); c.1264C>T, p.Leu422Phe (NM_001407083.1, NM_001407085.1); and 5 more; short protein forms L395F, L423F, L436F, L409F, L419F, L433F, L316F, L380F.
Identifiers: ClinVar variation 2003460 (VCV002003460.4), dbSNP rs587782043, ClinGen allele CA340132853.

ClinVar aggregate classification (germline): Uncertain significance (1 of 4 stars; one submission).

Conditions:
Familial adenomatous polyposis 2. Also called: COLORECTAL ADENOMATOUS POLYPOSIS, AUTOSOMAL RECESSIVE; ADENOMAS, MULTIPLE COLORECTAL, AUTOSOMAL RECESSIVE; Adenomas, multiple colorectal; MYH-associated polyposis; MUTYH-associated polyposis; MUTYH-related attenuated familial adenomatous polyposis. Identifiers: Orphanet 220460, Orphanet 247798, MedGen C3272841, MONDO:0012041, OMIM 608456.

Submission:

Labcorp Genetics (formerly Invitae), Labcorp
Classification: Uncertain significance for Familial adenomatous polyposis 2. Last evaluated: 2022-06-08. Review status: criteria provided, single submitter. Criteria: Invitae Variant Classification Sherloc (09022015). Collection method: clinical testing. Allele origin: germline.
Comment: This variant is not present in population databases (gnomAD no frequency). This sequence change replaces leucine, which is neutral and non-polar, with phenylalanine, which is neutral and non-polar, at codon 436 of the MUTYH protein (p.Leu436Phe). This variant has not been reported in the literature in individuals affected with MUTYH-related conditions. In summary, the available evidence is currently insufficient to determine the role of this variant in disease. Therefore, it has been classified as a Variant of Uncertain Significance. Algorithms developed to predict the effect of missense changes on protein structure and function are either unavailable or do not agree on the potential impact of this missense change (SIFT: "Tolerated"; PolyPhen-2: "Possibly Damaging"; Align-GVGD: "Class C0").